The following is an entry in ClinVar:

ClinVar aggregate classification (germline): Uncertain significance (1 of 4 stars; one submission).

Conditions:
Isolated microphthalmia 5. Also called: Posterior Microphthalmia with Retinitis Pigmentosa, Foveoschisis, and Optic Disc Drusen. Identifiers: Orphanet 251279, MedGen C1970236, MONDO:0012605, OMIM 611040.

Allele frequency attached by ClinVar (database versions not stated): gnomAD 0.00002; gnomAD exomes 0.00002; ExAC 0.00002.

Submission:

Labcorp Genetics (formerly Invitae), Labcorp
Classification: Uncertain significance for Isolated microphthalmia 5. Last evaluated: 2025-08-11. Review status: criteria provided, single submitter. Criteria: Invitae Variant Classification Sherloc (09022015). Collection method: clinical testing. Allele origin: germline.
Comment: This sequence change replaces arginine, which is basic and polar, with histidine, which is basic and polar, at codon 527 of the MFRP protein (p.Arg527His). This variant is present in population databases (rs755868612, gnomAD 0.01%). This variant has not been reported in the literature in individuals affected with MFRP-related conditions. ClinVar contains an entry for this variant (Variation ID: 954519). Invitae Evidence Modeling of protein sequence and biophysical properties (such as structural, functional, and spatial information, amino acid conservation, physicochemical variation, residue mobility, and thermodynamic stability) indicates that this missense variant is not expected to disrupt MFRP protein function with a negative predictive value of 80%. In summary, the available evidence is currently insufficient to determine the role of this variant in disease. Therefore, it has been classified as a Variant of Uncertain Significance.

NM_031433.4(MFRP):c.1580G>A (p.Arg527His)

Genes: C1QTNF5 (C1q and TNF related 5; minus strand), MFRP (membrane frizzled-related protein; minus strand). Cytogenetic location: 11q23.3.
Variant type: single nucleotide variant.
Coding change: c.1580G>A on transcript NM_031433.4 (MANE Select); coding-DNA position 1580, G replaced by A.
Protein change: p.Arg527His; replaces arginine 527 with histidine.
Molecular consequence: missense variant. On other transcripts: 5 prime UTR variant (1).
Genome position (GRCh38, 1-based): chr11:119,341,708, C>T on the plus strand (G>A on the coding strand, the complement: MFRP is on the minus strand). VCF-style: chr11-119341708-C-T. GRCh37 (hg19) VCF-style: chr11-119212418-C-T.
Other names: c.-1057G>A (NM_015645.5); short protein forms R527H.
Identifiers: ClinVar variation 954519 (VCV000954519.10), dbSNP rs755868612, ClinGen allele CA6320058.
Genomic context (GRCh38, chr11:119,341,708, plus strand): 5'-TGCTCCGCTTCCTGGCAGACAGAGCGGCAAGGGGGCAGAACACTGCCTAGTGGGGTGCAA[C>T]GGGGCACAAGCAGCCCACACAGGAGCCTCCGGAAATGCTGGTAGCAGGGCAGGCTTGTCA-3'
Protein context (NP_113621.1, residues 517-537): RRLLCGLLVP[Arg527His]CTPLGSVLPP